The following is an entry in ClinVar:

ClinVar aggregate classification (germline): Uncertain significance. Review status: criteria provided, multiple submitters, no conflicts (2 of 4 stars). 2 submissions from 2 submitters: Uncertain significance (2). Last evaluated 2026-06-08.

Conditions:
Colorectal cancer, hereditary nonpolyposis, type 7. Identifiers: Orphanet 144, MedGen C1858380, MONDO:0013725, OMIM 614385.

Allele frequency attached by ClinVar (database versions not stated): ExAC 0.00001; gnomAD 0.00001; gnomAD exomes below 0.00001.
gnomAD v4.1: 2 of 1,612,868 alleles (0.00012%); highest among the groups gnomAD compares: South Asian, 0.0011%; no homozygotes.

Submissions (2):

Ambry Genetics
Classification: Uncertain significance. Last evaluated: 2026-06-08. Review status: criteria provided, single submitter. Criteria: Ambry Variant Classification Scheme 2023. Collection method: clinical testing. Allele origin: germline.
Comment: The p.R1098G variant (also known as c.3292A>G), located in coding exon 2 of the MLH3 gene, results from an A to G substitution at nucleotide position 3292. The arginine at codon 1098 is replaced by glycine, an amino acid with dissimilar properties. This amino acid position is conserved. In addition, the in silico prediction for this alteration is inconclusive. Based on the available evidence, the clinical significance of this variant remains unclear.

Labcorp Genetics (formerly Invitae), Labcorp
Classification: Uncertain significance for Colorectal cancer, hereditary nonpolyposis, type 7. Last evaluated: 2023-06-16. Review status: criteria provided, single submitter. Criteria: Invitae Variant Classification Sherloc (09022015). Collection method: clinical testing. Allele origin: germline.
Comment: This sequence change replaces arginine, which is basic and polar, with glycine, which is neutral and non-polar, at codon 1098 of the MLH3 protein (p.Arg1098Gly). This variant is present in population databases (rs780193536, gnomAD 0.003%). This variant has not been reported in the literature in individuals affected with MLH3-related conditions. An algorithm developed to predict the effect of missense changes on protein structure and function (PolyPhen-2) suggests that this variant is likely to be disruptive. In summary, the available evidence is currently insufficient to determine the role of this variant in disease. Therefore, it has been classified as a Variant of Uncertain Significance.

NM_001040108.2(MLH3):c.3292A>G (p.Arg1098Gly)

Gene: MLH3 (mutL homolog 3; minus strand). Cytogenetic location: 14q24.3.
Variant type: single nucleotide variant.
Coding change: c.3292A>G on transcript NM_001040108.2 (MANE Select); coding-DNA position 3292, A replaced by G.
Protein change: p.Arg1098Gly; replaces arginine 1098 with glycine.
Molecular consequence: missense variant.
Genome position (GRCh38, 1-based): chr14:75,042,466, T>C on the plus strand (A>G on the coding strand, the complement: MLH3 is on the minus strand). VCF-style: chr14-75042466-T-C. GRCh37 (hg19) VCF-style: chr14-75509169-T-C.
Other names: c.3292A>G, p.Arg1098Gly (NM_014381.3); short protein forms R1098G.
Identifiers: ClinVar variation 2717188 (VCV002717188.4), dbSNP rs780193536, ClinGen allele CA7275543.
Genomic context (GRCh38, chr14:75,042,466, plus strand): 5'-TCTCTGCTCGAGCTCTCGGAAGGAAAGGAAGAACAAGGTCGCTTCTAAAAGGTTGACACC[T>C]GTACTGAGACCCTAAATATAAGAAAGAAAAACCTAGAAATGTGAACTTAAAATACAAGTA-3'
Protein context (NP_001035197.1, residues 1088-1108): DVVLENGSQY[Arg1098Gly]CQPFRSDLVL